The following is an entry in ClinVar:

NM_020778.5(ALPK3):c.1174G>A (p.Ala392Thr)

Gene: ALPK3 (alpha kinase 3; plus strand). Cytogenetic location: 15q25.3.
Variant type: single nucleotide variant.
Coding change: c.1174G>A on transcript NM_020778.5 (MANE Select); coding-DNA position 1174, G replaced by A.
Protein change: p.Ala392Thr; replaces alanine 392 with threonine.
Molecular consequence: missense variant.
Genome position (GRCh38, 1-based): chr15:84,840,453, G>A. VCF-style: chr15-84840453-G-A. GRCh37 (hg19) VCF-style: chr15-85383684-G-A.
Other names: short protein forms A392T.
Identifiers: ClinVar variation 3702277 (VCV003702277.2).

ClinVar aggregate classification (germline): Uncertain significance (1 of 4 stars; one submission).

Submission:

Labcorp Genetics (formerly Invitae), Labcorp
Classification: Uncertain significance. Last evaluated: 2024-11-11. Review status: criteria provided, single submitter. Criteria: Invitae Variant Classification Sherloc (09022015). Collection method: clinical testing. Allele origin: germline.
Comment: This sequence change replaces alanine, which is neutral and non-polar, with threonine, which is neutral and polar, at codon 594 of the ALPK3 protein (p.Ala594Thr). This variant is not present in population databases (gnomAD no frequency). This variant has not been reported in the literature in individuals affected with ALPK3-related conditions. Invitae Evidence Modeling of protein sequence and biophysical properties (such as structural, functional, and spatial information, amino acid conservation, physicochemical variation, residue mobility, and thermodynamic stability) indicates that this missense variant is not expected to disrupt ALPK3 protein function with a negative predictive value of 80%. In summary, the available evidence is currently insufficient to determine the role of this variant in disease. Therefore, it has been classified as a Variant of Uncertain Significance.